The following is an entry in ClinVar:

NM_139057.4(ADAMTS17):c.1936C>G (p.Leu646Val)

Gene: ADAMTS17 (ADAM metallopeptidase with thrombospondin type 1 motif 17; minus strand). Cytogenetic location: 15q26.3.
Variant type: single nucleotide variant.
Coding change: c.1936C>G on transcript NM_139057.4 (MANE Select); coding-DNA position 1936, C replaced by G.
Protein change: p.Leu646Val; replaces leucine 646 with valine.
Molecular consequence: missense variant.
Genome position (GRCh38, 1-based): chr15:100,109,069, G>C on the plus strand (C>G on the coding strand, the complement: ADAMTS17 is on the minus strand). VCF-style: chr15-100109069-G-C. GRCh37 (hg19) VCF-style: chr15-100649274-G-C.
Other names: short protein forms L646V.
Identifiers: ClinVar variation 2059623 (VCV002059623.1), dbSNP rs570605751, ClinGen allele CA7757975.

ClinVar aggregate classification (germline): Uncertain significance (1 of 4 stars; one submission).

Allele frequency attached by ClinVar (database versions not stated): gnomAD exomes 0.00005; ExAC 0.00011; TOPMed 0.00011; gnomAD 0.00015; 1000 Genomes Project 30x 0.00016; 1000 Genomes Project 0.00020.
gnomAD v4.1: 98 of 1,614,010 alleles (0.0061%); highest among the groups gnomAD compares: South Asian, 0.074%; no homozygotes.

Submission:

Labcorp Genetics (formerly Invitae), Labcorp
Classification: Uncertain significance. Last evaluated: 2022-01-14. Review status: criteria provided, single submitter. Criteria: Invitae Variant Classification Sherloc (09022015). Collection method: clinical testing. Allele origin: germline.
Comment: This sequence change replaces leucine, which is neutral and non-polar, with valine, which is neutral and non-polar, at codon 646 of the ADAMTS17 protein (p.Leu646Val). This variant is present in population databases (rs570605751, gnomAD 0.07%). This variant has not been reported in the literature in individuals affected with ADAMTS17-related conditions. Algorithms developed to predict the effect of missense changes on protein structure and function output the following: SIFT: "Not Available"; PolyPhen-2: "Benign"; Align-GVGD: "Not Available". The valine amino acid residue is found in multiple mammalian species, which suggests that this missense change does not adversely affect protein function. In summary, the available evidence is currently insufficient to determine the role of this variant in disease. Therefore, it has been classified as a Variant of Uncertain Significance.